The following is an entry in ClinVar:

ClinVar aggregate classification (germline): Uncertain significance (1 of 4 stars; one submission).

Submission:

Labcorp Genetics (formerly Invitae), Labcorp
Classification: Uncertain significance. Last evaluated: 2025-07-06. Review status: criteria provided, single submitter. Criteria: Invitae Variant Classification Sherloc (09022015). Collection method: clinical testing. Allele origin: germline.
Comment: This sequence change replaces glutamine, which is neutral and polar, with lysine, which is basic and polar, at codon 336 of the DDX58 protein (p.Gln336Lys). This variant is not present in population databases (gnomAD no frequency). This variant has not been reported in the literature in individuals affected with DDX58-related conditions. Invitae Evidence Modeling of protein sequence and biophysical properties (such as structural, functional, and spatial information, amino acid conservation, physicochemical variation, residue mobility, and thermodynamic stability) indicates that this missense variant is not expected to disrupt DDX58 protein function with a negative predictive value of 80%. In summary, the available evidence is currently insufficient to determine the role of this variant in disease. Therefore, it has been classified as a Variant of Uncertain Significance.

NM_014314.4(RIGI):c.1006C>A (p.Gln336Lys)

Gene: RIGI (RNA sensor RIG-I; minus strand). Cytogenetic location: 9p21.1.
Variant type: single nucleotide variant.
Coding change: c.1006C>A on transcript NM_014314.4 (MANE Select); coding-DNA position 1006, C replaced by A.
Protein change: p.Gln336Lys; replaces glutamine 336 with lysine.
Molecular consequence: missense variant.
Genome position (GRCh38, 1-based): chr9:32,488,151, G>T on the plus strand (C>A on the coding strand, the complement: RIGI is on the minus strand). VCF-style: chr9-32488151-G-T. GRCh37 (hg19) VCF-style: chr9-32488149-G-T.
Other names: c.1000C>A, p.Gln334Lys (NM_001385907.1); c.1006C>A, p.Gln336Lys (NM_001385909.1); c.565C>A, p.Gln189Lys (NM_001385910.1); c.397C>A, p.Gln133Lys (NM_001385912.1); c.991C>A, p.Gln331Lys (NM_001385913.1); c.562C>A, p.Gln188Lys (NM_001385914.1); short protein forms Q331K, Q336K, Q133K, Q188K, Q189K, Q334K.
Identifiers: ClinVar variation 4777815 (VCV004777815.1).